The following is an entry in ClinVar:

NC_000005.9:g.(?_73980960)_(74001165_?)del

Gene: HEXB (hexosaminidase subunit beta; plus strand). Cytogenetic location: 5q13.3.
Variant type: Deletion.
Identifiers: ClinVar variation 3246287 (VCV003246287.1).

ClinVar aggregate classification (germline): Pathogenic (1 of 4 stars; one submission).

Conditions:
Sandhoff disease. Also called: GM2-GANGLIOSIDOSIS, TYPE II; HEXOSAMINIDASES A AND B DEFICIENCY; Beta-hexosaminidase-beta-subunit deficiency; GM2 gangliosidosis, type 2; Total hexosaminidase deficiency; Sandhoff-Jatzkewitz-Pilz disease. Identifiers: Orphanet 796, MedGen C0036161, MONDO:0010006, OMIM 268800.

Submission:

Labcorp Genetics (formerly Invitae), Labcorp
Classification: Pathogenic for Sandhoff disease. Last evaluated: 2024-01-09. Review status: criteria provided, single submitter. Criteria: Invitae Variant Classification Sherloc (09022015). Collection method: clinical testing. Allele origin: unknown.
Comment: This variant is a gross deletion of the genomic region encompassing exon(s) 1-6 of the HEXB gene, which includes the initiator codon. This deletion extends beyond the assayed region for this gene and therefore may encompass additional genes. It is expected to result in an absent or disrupted protein product. Loss-of-function variants in HEXB are known to be pathogenic (PMID: 7550345, 18758829). A similar copy number variant has been observed in individual(s) with infantile Sandhoff disease (PMID: 7633435). For these reasons, this variant has been classified as Pathogenic.

Literature cited by the submitters: PubMed 7550345; PubMed 18758829; PubMed 7633435.